The following is an entry in ClinVar:

NM_001080414.4(CCDC88C):c.2401C>T (p.Arg801Trp)

Gene: CCDC88C (coiled-coil and HOOK domain protein 88C; minus strand). Cytogenetic location: 14q32.11.
Variant type: single nucleotide variant.
Coding change: c.2401C>T on transcript NM_001080414.4 (MANE Select); coding-DNA position 2401, C replaced by T.
Protein change: p.Arg801Trp; replaces arginine 801 with tryptophan.
Molecular consequence: missense variant.
Genome position (GRCh38, 1-based): chr14:91,313,415, G>A on the plus strand (C>T on the coding strand, the complement: CCDC88C is on the minus strand). VCF-style: chr14-91313415-G-A. GRCh37 (hg19) VCF-style: chr14-91779759-G-A.
Other names: short protein forms R801W.
Identifiers: ClinVar variation 1967261 (VCV001967261.3), dbSNP rs760958028, ClinGen allele CA7309665.

ClinVar aggregate classification (germline): Uncertain significance (1 of 4 stars; one submission).

Allele frequency attached by ClinVar (database versions not stated): ExAC 0.00001; gnomAD exomes 0.00001; TOPMed 0.00001.
gnomAD v4.1: 9 of 1,607,298 alleles (0.00056%); highest among the groups gnomAD compares: Middle Eastern, 0.016%; no homozygotes.

Submission:

Labcorp Genetics (formerly Invitae), Labcorp
Classification: Uncertain significance. Last evaluated: 2026-01-27. Review status: criteria provided, single submitter. Criteria: Invitae Variant Classification Sherloc (09022015). Collection method: clinical testing. Allele origin: germline.
Comment: This sequence change replaces arginine, which is basic and polar, with tryptophan, which is neutral and slightly polar, at codon 801 of the CCDC88C protein (p.Arg801Trp). The frequency data for this variant in the population databases is considered unreliable, as metrics indicate poor data quality at this position in the gnomAD database. This variant has not been reported in the literature in individuals affected with CCDC88C-related conditions. ClinVar contains an entry for this variant (Variation ID: 1967261). An algorithm developed to predict the effect of missense changes on protein structure and function (PolyPhen-2) suggests that this variant is likely to be disruptive. In summary, the available evidence is currently insufficient to determine the role of this variant in disease. Therefore, it has been classified as a Variant of Uncertain Significance.